The following is an entry in ClinVar:

ClinVar aggregate classification (germline): Likely benign. Review status: criteria provided, multiple submitters, no conflicts (2 of 4 stars). 2 submissions from 2 submitters: Likely benign (2). Last evaluated 2026-01-26.

gnomAD v4.1: 215 of 1,490,712 alleles (0.014%); highest among the groups gnomAD compares: African/African-American, 0.28%; 1 homozygote.

Submissions (2):

Labcorp Genetics (formerly Invitae), Labcorp
Classification: Likely benign. Last evaluated: 2026-01-26. Review status: criteria provided, single submitter. Criteria: Invitae Variant Classification Sherloc (09022015). Collection method: clinical testing. Allele origin: germline.

Mayo Clinic Laboratories, Mayo Clinic
Classification: Likely benign. Last evaluated: 2025-06-09. Review status: criteria provided, single submitter. Criteria: ACMG Guidelines, 2015. Collection method: clinical testing. Allele origin: germline. Observed: 5 variant alleles.
Comment: BS1, BP4

NM_001367624.2(ZNF469):c.3213G>T (p.Arg1071Ser)

Genes: ZNF469 (zinc finger protein 469; plus strand), LOC130059718 (ATAC-STARR-seq lymphoblastoid silent region 7847; plus strand). Cytogenetic location: 16q24.2.
Variant type: single nucleotide variant.
Coding change: c.3213G>T on transcript NM_001367624.2 (MANE Select); coding-DNA position 3213, G replaced by T.
Protein change: p.Arg1071Ser; replaces arginine 1071 with serine.
Molecular consequence: missense variant.
Genome position (GRCh38, 1-based): chr16:88,430,683, G>T. VCF-style: chr16-88430683-G-T. GRCh37 (hg19) VCF-style: chr16-88497091-G-T.
Other names: p.Arg1071Ser; short protein forms R1071S.
Identifiers: ClinVar variation 4684118 (VCV004684118.2).